The following is an entry in ClinVar:

ClinVar aggregate classification (germline): Uncertain significance. Review status: criteria provided, multiple submitters, no conflicts (2 of 4 stars). 2 submissions from 2 submitters: Uncertain significance (2). Last evaluated 2022-04-28.

Conditions:
Emery-Dreifuss muscular dystrophy 5, autosomal dominant (EDMD5). Also called: EMERY-DREIFUSS MUSCULAR DYSTROPHY 5. Identifiers: Orphanet 261, MedGen C2751805, MONDO:0013072, OMIM 612999.

Submissions (2):

Revvity Omics, Revvity
Classification: Uncertain significance for Emery-Dreifuss muscular dystrophy 5, autosomal dominant. Last evaluated: 2022-04-28. Review status: criteria provided, single submitter. Criteria: ACMG Guidelines, 2015. Collection method: clinical testing. Allele origin: germline.

Neuberg Centre For Genomic Medicine, NCGM
Classification: Uncertain significance for Emery-Dreifuss muscular dystrophy 5, autosomal dominant. Review status: criteria provided, single submitter. Criteria: ACMG Guidelines, 2015. Collection method: clinical testing. Allele origin: germline. Affected: yes.
Comment: The missense variant p.L4056R in SYNE2 (NM_182914.3) has not been reported previously as a pathogenic variant nor as a benign variant, to our knowledge. The p.L4056R variant is novel (not in any individuals) in gnomAD Exomes and is novel (not in any individuals) in 1000 Genomes. There is a moderate physicochemical difference between leucine and arginine. The p.L4056R missense variant is predicted to be damaging by both SIFT and PolyPhen2. The nucleotide c.12167 in SYNE2 is predicted conserved by GERP++ and PhyloP across 100 vertebrates. For these reasons, this variant has been classified as Uncertain Significance.

NM_182914.3(SYNE2):c.12167T>G (p.Leu4056Arg)

Gene: SYNE2 (spectrin repeat containing nuclear envelope protein 2; plus strand). Cytogenetic location: 14q23.2.
Variant type: single nucleotide variant.
Coding change: c.12167T>G on transcript NM_182914.3 (MANE Select); coding-DNA position 12167, T replaced by G.
Protein change: p.Leu4056Arg; replaces leucine 4056 with arginine.
Molecular consequence: missense variant.
Genome position (GRCh38, 1-based): chr14:64,098,007, T>G. VCF-style: chr14-64098007-T-G. GRCh37 (hg19) VCF-style: chr14-64564725-T-G.
Other names: c.12167T>G (NM_182914.2); c.12167T>G, p.Leu4056Arg (NM_015180.6); short protein forms L4056R.
Identifiers: ClinVar variation 1339154 (VCV001339154.5), dbSNP rs2153635602, ClinGen allele CA389952430.
Genomic context (GRCh38, chr14:64,098,007, plus strand): 5'-AGGGAGAAATCGAACGTATGGAGAAACAGATTCTGAGTTTGAACCAGAGAAAAGAAGACC[T>G]GTTGGTGGACTTGAAGGCCACCGTACTAAACCTTCACCAGCATTTGAAGCAAGAACAAGA-3'
Protein context (NP_878918.2, residues 4046-4066): ILSLNQRKED[Leu4056Arg]LVDLKATVLN